The following is an entry in ClinVar:

ClinVar aggregate classification (germline): Uncertain significance (1 of 4 stars; one submission).

Submission:

GeneDx
Classification: Uncertain significance. Last evaluated: 2022-02-15. Review status: criteria provided, single submitter. Criteria: GeneDx Variant Classification Process June 2021. Collection method: clinical testing. Allele origin: germline. Affected: yes.
Comment: Not observed at significant frequency in large population cohorts (gnomAD); In silico analysis supports that this missense variant has a deleterious effect on protein structure/function; Has not been previously published as pathogenic or benign to our knowledge

NM_170606.3(KMT2C):c.3200T>G (p.Leu1067Arg)

Gene: KMT2C (lysine methyltransferase 2C; minus strand). Cytogenetic location: 7q36.1.
Variant type: single nucleotide variant.
Coding change: c.3200T>G on transcript NM_170606.3 (MANE Select); coding-DNA position 3200, T replaced by G.
Protein change: p.Leu1067Arg; replaces leucine 1067 with arginine.
Molecular consequence: missense variant.
Genome position (GRCh38, 1-based): chr7:152,224,138, A>C on the plus strand (T>G on the coding strand, the complement: KMT2C is on the minus strand). VCF-style: chr7-152224138-A-C. GRCh37 (hg19) VCF-style: chr7-151921223-A-C.
Other names: short protein forms L1067R.
Identifiers: ClinVar variation 1700749 (VCV001700749.2), dbSNP rs2129147797, ClinGen allele CA370110052.